The following is an entry in ClinVar:

ClinVar aggregate classification (germline): Likely benign (1 of 4 stars; one submission).

Conditions:
NBEA-related disorder. Also called: NBEA-related condition.

gnomAD v4.1: 8 of 1,613,340 alleles (0.0005%); highest among the groups gnomAD compares: Non-Finnish European, 0.00068%; no homozygotes.

Submission:

PreventionGenetics, part of Exact Sciences
Classification: Likely benign for NBEA-related condition. Last evaluated: 2025-01-02. Review status: criteria provided, single submitter. Criteria: ACMG Guidelines, 2015. Collection method: clinical testing. Allele origin: germline.
Comment: This variant is classified as likely benign based on ACMG/AMP sequence variant interpretation guidelines (Richards et al. 2015 PMID: 25741868, with internal and published modifications).

NM_001385012.1(NBEA):c.3174T>C (p.Asp1058=)

Gene: NBEA (neurobeachin; plus strand). Cytogenetic location: 13q13.3.
Variant type: single nucleotide variant.
Coding change: c.3174T>C on transcript NM_001385012.1 (MANE Select); coding-DNA position 3174, T replaced by C.
Protein change: p.Asp1058=; no amino-acid change (aspartic acid 1058 retained).
Molecular consequence: synonymous variant.
Genome position (GRCh38, 1-based): chr13:35,159,345, T>C. VCF-style: chr13-35159345-T-C. GRCh37 (hg19) VCF-style: chr13-35733482-T-C.
Other names: c.3174T>C, p.Asp1058= (NM_001379245.1, NM_015678.5).
Identifiers: ClinVar variation 5001568 (VCV005001568.1).